The following is an entry in ClinVar:

NM_004064.5(CDKN1B):c.476-6G>A

Gene: CDKN1B (cyclin dependent kinase inhibitor 1B; plus strand). Cytogenetic location: 12p13.1.
Variant type: single nucleotide variant.
Coding change: c.476-6G>A on transcript NM_004064.5 (MANE Select); 6 bases into the intron before coding-DNA position 476, G replaced by A.
Molecular consequence: intron variant.
Genome position (GRCh38, 1-based): chr12:12,718,819, G>A. VCF-style: chr12-12718819-G-A. GRCh37 (hg19) VCF-style: chr12-12871753-G-A.
Identifiers: ClinVar variation 307669 (VCV000307669.10), dbSNP rs376695255, ClinGen allele CA6457543.

ClinVar aggregate classification (germline): Benign/Likely benign. Review status: criteria provided, multiple submitters, no conflicts (2 of 4 stars). 5 submissions from 5 submitters: Benign (2); Likely benign (2). 1 of the submissions does not count toward it. Last evaluated 2025-07-10.

Conditions:
Multiple endocrine neoplasia type 4. Also called: MULTIPLE ENDOCRINE NEOPLASIA, TYPE IV. Identifiers: Orphanet 276152, MedGen C1970712, MONDO:0012552, OMIM 610755.
CDKN1B-related disorder. Also called: CDKN1B-related condition.
Hereditary cancer-predisposing syndrome. Also called: Neoplastic Syndromes, Hereditary; Tumor predisposition; Hereditary Cancer Syndrome; Hereditary neoplastic syndrome. Identifiers: Orphanet 140162, MedGen C0027672, MeSH D009386, MONDO:0015356.

Allele frequency attached by ClinVar (database versions not stated): gnomAD exomes 0.00001; ESP Exome Variant Server 0.00015; 1000 Genomes Project 30x 0.00016; gnomAD 0.00031; TOPMed 0.00039.
gnomAD v4.1: 69 of 1,613,886 alleles (0.0043%); highest among the groups gnomAD compares: African/African-American, 0.048%; no homozygotes.

Submissions (5):

Quest Diagnostics Nichols Institute San Juan Capistrano
Classification: Benign. Last evaluated: 2025-07-10. Review status: criteria provided, single submitter. Criteria: Quest Diagnostics criteria. Collection method: clinical testing. Allele origin: unknown.

Labcorp Genetics (formerly Invitae), Labcorp
Classification: Likely benign for Multiple endocrine neoplasia type 4. Last evaluated: 2025-03-26. Review status: criteria provided, single submitter. Criteria: Invitae Variant Classification Sherloc (09022015). Collection method: clinical testing. Allele origin: germline.

Sema4
Classification: Likely benign for Hereditary cancer-predisposing syndrome. Last evaluated: 2022-01-12. Review status: criteria provided, single submitter. Criteria: Sema4 Curation Guidelines. Collection method: curation. Allele origin: germline.

Illumina Laboratory Services, Illumina
Classification: Benign for Multiple endocrine neoplasia type 4. Last evaluated: 2018-01-13. Review status: criteria provided, single submitter. Criteria: ICSL Variant Classification Criteria 13 December 2019. Collection method: clinical testing. Allele origin: germline.
Comment: This variant was observed in the ICSL laboratory as part of a predisposition screen in an ostensibly healthy population. It had not been previously curated by ICSL or reported in the Human Gene Mutation Database (HGMD: prior to June 1st, 2018), and was therefore a candidate for classification through an automated scoring system. Utilizing variant allele frequency, disease prevalence and penetrance estimates, and inheritance mode, an automated score was calculated to assess if this variant is too frequent to cause the disease. Based on the score and internal cut-off values, a variant classified as benign is not then subjected to further curation. The score for this variant resulted in a classification of benign for this disease.

PreventionGenetics, part of Exact Sciences
Classification: Likely benign for CDKN1B-related condition. Last evaluated: 2023-05-22. Review status: no assertion criteria provided. Collection method: clinical testing. Allele origin: germline. Not counted in ClinVar's aggregate classification.
Comment: This variant is classified as likely benign based on ACMG/AMP sequence variant interpretation guidelines (Richards et al. 2015 PMID: 25741868, with internal and published modifications).